The following is an entry in ClinVar:

NM_000051.4(ATM):c.965A>C (p.Glu322Ala)

Gene: ATM (ATM serine/threonine kinase; plus strand). Cytogenetic location: 11q22.3.
Variant type: single nucleotide variant.
Coding change: c.965A>C on transcript NM_000051.4 (MANE Select); coding-DNA position 965, A replaced by C.
Protein change: p.Glu322Ala; replaces glutamic acid 322 with alanine.
Molecular consequence: missense variant.
Genome position (GRCh38, 1-based): chr11:108,247,027, A>C. VCF-style: chr11-108247027-A-C. GRCh37 (hg19) VCF-style: chr11-108117754-A-C.
Other names: c.965A>C, p.Glu322Ala (NM_001351834.2); short protein forms E322A.
Identifiers: ClinVar variation 4747167 (VCV004747167.1).
Genomic context (GRCh38, chr11:108,247,027, plus strand): 5'-CTTATGAATCAACAAAATGGAGAAGTATTTTATACAACTTATATGATCTGCTAGTGAATG[A>C]GATAAGTCATATAGGAAGTAGAGGAAAGTATTCTTCAGGATTTCGTAATATTGCCGTCAA-3'
Protein context (NP_000042.3, residues 312-332): LYNLYDLLVN[Glu322Ala]ISHIGSRGKY

ClinVar aggregate classification (germline): Uncertain significance (1 of 4 stars; one submission).

Conditions:
Ataxia-telangiectasia syndrome (AT). Also called: Ataxia-telangiectasia, complementation group D; AT, COMPLEMENTATION GROUP C; Ataxia-telangiectasia; Ataxia telangiectasia (A-T); LOUIS-BAR SYNDROME; Cerebello-oculocutaneous telangiectasia. Identifiers: Orphanet 100, MedGen C0004135, MONDO:0008840, OMIM 208900.

Submission:

Labcorp Genetics (formerly Invitae), Labcorp
Classification: Uncertain significance for Ataxia-telangiectasia syndrome. Last evaluated: 2025-04-02. Review status: criteria provided, single submitter. Criteria: Invitae Variant Classification Sherloc (09022015). Collection method: clinical testing. Allele origin: germline.
Comment: This sequence change replaces glutamic acid, which is acidic and polar, with alanine, which is neutral and non-polar, at codon 322 of the ATM protein (p.Glu322Ala). This variant is not present in population databases (gnomAD no frequency). This variant has not been reported in the literature in individuals affected with ATM-related conditions. Invitae Evidence Modeling of protein sequence and biophysical properties (such as structural, functional, and spatial information, amino acid conservation, physicochemical variation, residue mobility, and thermodynamic stability) has been performed for this missense variant. However, the output from this modeling did not meet the statistical confidence thresholds required to predict the impact of this variant on ATM protein function. In summary, the available evidence is currently insufficient to determine the role of this variant in disease. Therefore, it has been classified as a Variant of Uncertain Significance.